The following is an entry in ClinVar:

NM_003000.3(SDHB):c.427T>A (p.Leu143Met)

Gene: SDHB (succinate dehydrogenase complex iron sulfur subunit B; minus strand). Cytogenetic location: 1p36.13.
Variant type: single nucleotide variant.
Coding change: c.427T>A on transcript NM_003000.3 (MANE Select); coding-DNA position 427, T replaced by A.
Protein change: p.Leu143Met; replaces leucine 143 with methionine.
Molecular consequence: missense variant.
Genome position (GRCh38, 1-based): chr1:17,027,862, A>T on the plus strand (T>A on the coding strand, the complement: SDHB is on the minus strand). VCF-style: chr1-17027862-A-T. GRCh37 (hg19) VCF-style: chr1-17354357-A-T.
Other names: short protein forms L143M.
Identifiers: ClinVar variation 824752 (VCV000824752.12), dbSNP rs1570948034, ClinGen allele CA338273503.

ClinVar aggregate classification (germline): Uncertain significance. Review status: criteria provided, multiple submitters, no conflicts (2 of 4 stars). 3 submissions from 3 submitters: Uncertain significance (3). Last evaluated 2025-07-31.

Conditions:
Hereditary cancer-predisposing syndrome. Also called: Neoplastic Syndromes, Hereditary; Tumor predisposition; Hereditary Cancer Syndrome; Hereditary neoplastic syndrome. Identifiers: Orphanet 140162, MedGen C0027672, MeSH D009386, MONDO:0015356.
Hereditary pheochromocytoma and paraganglioma. Also called: Hereditary pheochromocytoma-paraganglioma; Hereditary Paraganglioma-Pheochromocytoma Syndromes; Hereditary paragangliomas and pheochromocytomas. Identifiers: Orphanet 29072, MedGen C4274332, MONDO:0017366.
Pheochromocytoma/paraganglioma syndrome 4. Also called: CAROTID BODY TUMORS AND MULTIPLE EXTRAADRENAL PHEOCHROMOCYTOMAS; SDHB-Related Hereditary Paraganglioma-Pheochromocytoma Syndrome (Paragangliomas 4); SDHB-Related Hereditary Paraganglioma-Pheochromocytoma Syndrome; PARAGANGLIOMA, FAMILIAL MALIGNANT; PARAGANGLIOMAS, HEREDITARY EXTRAADRENAL; PHEOCHROMOCYTOMA, FAMILIAL EXTRAADRENAL. Identifiers: Orphanet 29072, MedGen C1861848, MONDO:0007273, OMIM 115310.
Gastrointestinal stromal tumor. Also called: Gastrointestinal stromal tumor, somatic; Gastrointestinal stroma tumor. Identifiers: Orphanet 44890, MedGen C0238198, MeSH D046152, MONDO:0011719, OMIM 606764, HP:0100723.
Pheochromocytoma. Also called: MAX-Related Hereditary Paraganglioma-Pheochromocytoma Syndrome. Identifiers: Orphanet 29072, MedGen C0031511, MONDO:0008233, OMIM 171300, HP:0002666.

Allele frequency attached by ClinVar (database versions not stated): gnomAD exomes below 0.00001.
gnomAD v4.1: 1 of 1,563,580 alleles (0.000064%); highest among the groups gnomAD compares: Non-Finnish European, 0.000088%; no homozygotes.

Submissions (3):

Labcorp Genetics (formerly Invitae), Labcorp
Classification: Uncertain significance for Gastrointestinal stromal tumor; Pheochromocytoma/paraganglioma syndrome 4; Pheochromocytoma. Last evaluated: 2025-07-31. Review status: criteria provided, single submitter. Criteria: Invitae Variant Classification Sherloc (09022015). Collection method: clinical testing. Allele origin: germline.
Comment: This sequence change replaces leucine, which is neutral and non-polar, with methionine, which is neutral and non-polar, at codon 143 of the SDHB protein (p.Leu143Met). This variant is not present in population databases (gnomAD no frequency). This missense change has been observed in individual(s) with SDHB-related conditions (PMID: 34906457). ClinVar contains an entry for this variant (Variation ID: 824752). Invitae Evidence Modeling of protein sequence and biophysical properties (such as structural, functional, and spatial information, amino acid conservation, physicochemical variation, residue mobility, and thermodynamic stability) indicates that this missense variant is not expected to disrupt SDHB protein function with a negative predictive value of 80%. In summary, the available evidence is currently insufficient to determine the role of this variant in disease. Therefore, it has been classified as a Variant of Uncertain Significance.

All of Us Research Program, National Institutes of Health
Classification: Uncertain significance for Hereditary pheochromocytoma and paraganglioma. Last evaluated: 2023-09-04. Review status: criteria provided, single submitter. Criteria: ACMG Guidelines, 2015. Collection method: clinical testing. Allele origin: germline. Inheritance: Autosomal dominant inheritance. Observed: 1 variant allele, 1 heterozygote.
Comment: This missense variant replaces leucine with methionine at codon 143 of the SDHB protein. Computational prediction suggests that this variant may not impact protein structure and function (internally defined REVEL score threshold <= 0.5, PMID: 27666373). To our knowledge, functional studies have not been reported for this variant. This variant has been reported in an individual affected with hereditary paranganglioma pheochromocytoma syndrome (PMID: 34906457). This variant has not been identified in the general population by the Genome Aggregation Database (gnomAD). The available evidence is insufficient to determine the role of this variant in disease conclusively. Therefore, this variant is classified as a Variant of Uncertain Significance.

This study involves interpretation of variants in research participants for the purpose of population health screening. Participant phenotype was not available at the time of variant classification. Additional details can be found in publication PMID: 35346344, PMCID: PMC8962531

Ambry Genetics
Classification: Uncertain significance for Hereditary cancer-predisposing syndrome. Last evaluated: 2023-05-25. Review status: criteria provided, single submitter. Criteria: Ambry Variant Classification Scheme 2023. Collection method: clinical testing. Allele origin: germline.
Comment: The p.L143M variant (also known as c.427T>A), located in coding exon 5 of the SDHB gene, results from a T to A substitution at nucleotide position 427. The leucine at codon 143 is replaced by methionine, an amino acid with highly similar properties. This amino acid position is well conserved in available vertebrate species. In addition, the in silico prediction for this alteration is inconclusive. Since supporting evidence is limited at this time, the clinical significance of this alteration remains unclear.

Literature cited by the submitters: PubMed 34906457 (cited by Labcorp Genetics (formerly Invitae), Labcorp and All of Us Research Program, National Institutes of Health).